The following is an entry in ClinVar:

ClinVar aggregate classification (germline): Pathogenic. Review status: criteria provided, multiple submitters, no conflicts (2 of 4 stars). 4 submissions from 4 submitters: Pathogenic (4). Last evaluated 2025-12-21.

Conditions:
Mandibulofacial dysostosis-microcephaly syndrome (MFDGA). Also called: Growth and mental retardation, mandibulofacial dysostosis, microcephaly, and cleft palate; Mandibulofacial dysostosis, Guion-Almeida type. Identifiers: Orphanet 79113, MedGen C1864652, MONDO:0012516, OMIM 610536.

Submissions (4):

Labcorp Genetics (formerly Invitae), Labcorp
Classification: Pathogenic. Last evaluated: 2025-12-21. Review status: criteria provided, single submitter. Criteria: Invitae Variant Classification Sherloc (09022015). Collection method: clinical testing. Allele origin: germline.
Comment: This sequence change affects a splice site in intron 25 of the EFTUD2 gene. It is expected to disrupt RNA splicing. Variants that disrupt the donor or acceptor splice site typically lead to a loss of protein function (PMID: 16199547), and loss-of-function variants in EFTUD2 are known to be pathogenic (PMID: 24999515, 26507355). This variant is not present in population databases (gnomAD no frequency). Disruption of this splice site has been observed in individual(s) with clinical features of mandibulofacial dysostosis (PMID: 24470203; internal data). In at least one individual the variant was observed to be de novo. ClinVar contains an entry for this variant (Variation ID: 1454611). Algorithms developed to predict the effect of sequence changes on RNA splicing suggest that this variant may disrupt the consensus splice site. For these reasons, this variant has been classified as Pathogenic.

GeneDx
Classification: Pathogenic. Last evaluated: 2025-08-14. Review status: criteria provided, single submitter. Criteria: GeneDx Variant Classification Process June 2021. Collection method: clinical testing. Allele origin: germline. Affected: yes.
Comment: Canonical splice site variant predicted to result in a null allele in a gene for which loss-of-function is a known mechanism of disease; Not observed in large population cohorts (gnomAD); This variant is associated with the following publications: (PMID: 34714179, 27895973, 36271508, 24470203)

Baylor Genetics
Classification: Pathogenic for Mandibulofacial dysostosis-microcephaly syndrome. Last evaluated: 2022-09-15. Review status: criteria provided, single submitter. Criteria: ACMG Guidelines, 2015. Collection method: clinical testing. Allele origin: unknown.

Clinical Genetics Laboratory, Skane University Hospital Lund
Classification: Pathogenic. Last evaluated: 2022-05-27. Review status: criteria provided, single submitter. Criteria: ACMG Guidelines, 2015. Collection method: clinical testing. Allele origin: germline. Affected: yes.

Literature cited by the submitters: PubMed 16199547 (cited by Labcorp Genetics (formerly Invitae), Labcorp); PubMed 24999515 (cited by Labcorp Genetics (formerly Invitae), Labcorp); PubMed 26507355 (cited by Labcorp Genetics (formerly Invitae), Labcorp); PubMed 24470203 (cited by Labcorp Genetics (formerly Invitae), Labcorp).

NM_004247.4(EFTUD2):c.2562-2del

Gene: EFTUD2 (elongation factor Tu GTP binding domain containing 2; minus strand). Cytogenetic location: 17q21.31.
Variant type: Deletion.
Coding change: c.2562-2del on transcript NM_004247.4 (MANE Select); the canonical splice acceptor site of the intron before coding-DNA position 2562, one base deleted (A; older notation c.2562-2delA).
Molecular consequence: splice acceptor variant.
Genome position (GRCh38, 1-based): chr17:44,852,564, T deleted on the plus strand (A on the coding strand, the reverse complement: EFTUD2 is on the minus strand). VCF-style (leftmost placement, unchanged base first): chr17-44852563-CT-C. GRCh37 (hg19) VCF-style: chr17-42929931-CT-C.
Other names: c.2562-2del (NM_004247.3, NM_001258353.2); c.2457-2del (NM_001142605.2); c.2532-2del (NM_001258354.2).
Identifiers: ClinVar variation 1454611 (VCV001454611.8), dbSNP rs2145431661, ClinGen allele CA913203526.